The following is an entry in ClinVar:

ClinVar aggregate classification (germline): Uncertain significance (1 of 4 stars; one submission).

Allele frequency attached by ClinVar (database versions not stated): ESP Exome Variant Server 0.00008.
gnomAD v4.1: 13 of 1,614,084 alleles (0.00081%); highest among the groups gnomAD compares: Non-Finnish European, 0.0011%; no homozygotes.

Submission:

Labcorp Genetics (formerly Invitae), Labcorp
Classification: Uncertain significance. Last evaluated: 2026-01-19. Review status: criteria provided, single submitter. Criteria: Invitae Variant Classification Sherloc (09022015). Collection method: clinical testing. Allele origin: germline.
Comment: This sequence change replaces arginine, which is basic and polar, with lysine, which is basic and polar, at codon 1217 of the PLEKHG2 protein (p.Arg1217Lys). This variant is present in population databases (rs370533120, gnomAD 0.003%). This variant has not been reported in the literature in individuals affected with PLEKHG2-related conditions. ClinVar contains an entry for this variant (Variation ID: 1987431). An algorithm developed to predict the effect of missense changes on protein structure and function (PolyPhen-2) suggests that this variant is likely to be tolerated. In summary, the available evidence is currently insufficient to determine the role of this variant in disease. Therefore, it has been classified as a Variant of Uncertain Significance.

NM_022835.3(PLEKHG2):c.3650G>A (p.Arg1217Lys)

Gene: PLEKHG2 (pleckstrin homology and RhoGEF domain containing G2; plus strand). Cytogenetic location: 19q13.2.
Variant type: single nucleotide variant.
Coding change: c.3650G>A on transcript NM_022835.3 (MANE Select); coding-DNA position 3650, G replaced by A.
Protein change: p.Arg1217Lys; replaces arginine 1217 with lysine.
Molecular consequence: missense variant. On other transcripts: intron variant (1).
Genome position (GRCh38, 1-based): chr19:39,424,783, G>A. VCF-style: chr19-39424783-G-A. GRCh37 (hg19) VCF-style: chr19-39915423-G-A.
Other names: c.3473G>A, p.Arg1158Lys (NM_001351693.2); c.1678-455G>A (NM_001351694.2); short protein forms R1158K, R1217K.
Identifiers: ClinVar variation 1987431 (VCV001987431.4), dbSNP rs370533120, ClinGen allele CA308245322.